The following is an entry in ClinVar:

ClinVar aggregate classification (germline): Uncertain significance (1 of 4 stars; one submission).

Conditions:
Landau-Kleffner syndrome (FESD). Also called: EPILEPSY, FOCAL, WITH SPEECH DISORDER AND WITH OR WITHOUT MENTAL RETARDATION; APHASIA, ACQUIRED, WITH EPILEPSY. Identifiers: Orphanet 1945, Orphanet 725, Orphanet 98818, MedGen C0282512, MONDO:0009509, OMIM 245570.

Allele frequency attached by ClinVar (database versions not stated): gnomAD exomes below 0.00001.
gnomAD v4.1: 1 of 1,614,050 alleles (0.000062%); highest among the groups gnomAD compares: Middle Eastern, 0.016%; no homozygotes.

Submission:

Labcorp Genetics (formerly Invitae), Labcorp
Classification: Uncertain significance for Landau-Kleffner syndrome. Last evaluated: 2024-05-15. Review status: criteria provided, single submitter. Criteria: Invitae Variant Classification Sherloc (09022015). Collection method: clinical testing. Allele origin: germline.
Comment: This sequence change replaces asparagine, which is neutral and polar, with lysine, which is basic and polar, at codon 1066 of the GRIN2A protein (p.Asn1066Lys). This variant is not present in population databases (gnomAD no frequency). This variant has not been reported in the literature in individuals affected with GRIN2A-related conditions. Advanced modeling of protein sequence and biophysical properties (such as structural, functional, and spatial information, amino acid conservation, physicochemical variation, residue mobility, and thermodynamic stability) performed at Invitae indicates that this missense variant is not expected to disrupt GRIN2A protein function with a negative predictive value of 95%. In summary, the available evidence is currently insufficient to determine the role of this variant in disease. Therefore, it has been classified as a Variant of Uncertain Significance.

NM_001134407.3(GRIN2A):c.3198T>G (p.Asn1066Lys)

Gene: GRIN2A (glutamate ionotropic receptor NMDA type subunit 2A; minus strand). Cytogenetic location: 16p13.2.
Variant type: single nucleotide variant.
Coding change: c.3198T>G on transcript NM_001134407.3 (MANE Select); coding-DNA position 3198, T replaced by G.
Protein change: p.Asn1066Lys; replaces asparagine 1066 with lysine.
Molecular consequence: missense variant.
Genome position (GRCh38, 1-based): chr16:9,764,346, A>C on the plus strand (T>G on the coding strand, the complement: GRIN2A is on the minus strand). VCF-style: chr16-9764346-A-C. GRCh37 (hg19) VCF-style: chr16-9858203-A-C.
Other names: c.3198T>G, p.Asn1066Lys (NM_000833.5, NM_001134408.2); short protein forms N1066K.
Identifiers: ClinVar variation 3001798 (VCV003001798.3), dbSNP rs2505968486, ClinGen allele CA394708398.